The following is an entry in ClinVar:

ClinVar aggregate classification (germline): Uncertain significance. Review status: criteria provided, multiple submitters, no conflicts (2 of 4 stars). 2 submissions from 2 submitters: Uncertain significance (2). Last evaluated 2025-11-20.

Conditions:
Progressive familial heart block type IB (PFHB1B). Identifiers: Orphanet 871, MedGen C1970298, MONDO:0011474, OMIM 604559.
Cardiovascular phenotype. Identifiers: MedGen CN230736.

gnomAD v4.1: 2 of 1,612,582 alleles (0.00012%); highest among the groups gnomAD compares: Non-Finnish European, 0.000085%; no homozygotes.

Submissions (2):

Ambry Genetics
Classification: Uncertain significance for Cardiovascular phenotype. Last evaluated: 2025-11-20. Review status: criteria provided, single submitter. Criteria: Ambry Variant Classification Scheme 2023. Collection method: clinical testing. Allele origin: germline.

Labcorp Genetics (formerly Invitae), Labcorp
Classification: Uncertain significance for Progressive familial heart block type IB. Last evaluated: 2025-07-08. Review status: criteria provided, single submitter. Criteria: Invitae Variant Classification Sherloc (09022015). Collection method: clinical testing. Allele origin: germline.
Comment: This sequence change replaces arginine, which is basic and polar, with histidine, which is basic and polar, at codon 1147 of the TRPM4 protein (p.Arg1147His). This variant is not present in population databases (gnomAD no frequency). This variant has not been reported in the literature in individuals affected with TRPM4-related conditions. An algorithm developed to predict the effect of missense changes on protein structure and function (PolyPhen-2) suggests that this variant is likely to be disruptive. In summary, the available evidence is currently insufficient to determine the role of this variant in disease. Therefore, it has been classified as a Variant of Uncertain Significance.

NM_017636.4(TRPM4):c.3440G>A (p.Arg1147His)

Gene: TRPM4 (transient receptor potential cation channel subfamily M member 4; plus strand). Cytogenetic location: 19q13.33.
Variant type: single nucleotide variant.
Coding change: c.3440G>A on transcript NM_017636.4 (MANE Select); coding-DNA position 3440, G replaced by A.
Protein change: p.Arg1147His; replaces arginine 1147 with histidine.
Molecular consequence: missense variant.
Genome position (GRCh38, 1-based): chr19:49,210,821, G>A. VCF-style: chr19-49210821-G-A. GRCh37 (hg19) VCF-style: chr19-49714078-G-A.
Other names: c.3005G>A, p.Arg1002His (NM_001195227.2); c.3095G>A, p.Arg1032His (NM_001321281.2); c.1832G>A, p.Arg611His (NM_001321282.2); c.2918G>A, p.Arg973His (NM_001321283.2); c.2378G>A, p.Arg793His (NM_001321285.2); short protein forms R973H, R1002H, R1032H, R1147H, R611H, R793H.
Identifiers: ClinVar variation 4615287 (VCV004615287.2).